The following is an entry in ClinVar:

NM_001130009.3(GEN1):c.899_902dup (p.His301fs)

Gene: GEN1 (GEN1 structure-specific endonuclease; plus strand). Cytogenetic location: 2p24.2.
Variant type: Duplication.
Coding change: c.899_902dup on transcript NM_001130009.3 (MANE Select); coding-DNA positions 899 to 902, 4 bases duplicated (GGCA; older notation c.899_902dupGGCA).
Protein change: p.His301fs; shifts the reading frame from histidine 301.
Molecular consequence: frameshift variant.
Genome position (GRCh38, 1-based): chr2:17,772,730-17,772,733, GGCA duplicated. VCF-style (leftmost placement, unchanged base first): chr2-17772729-T-TGGCA. GRCh37 (hg19) VCF-style: chr2-17953996-T-TGGCA.
Other names: c.899_902dup, p.His301fs (NM_182625.5); short protein forms H301fs.
Identifiers: ClinVar variation 3623363 (VCV003623363.2).
Genomic context (GRCh38, chr2:17,772,729, plus strand): 5'-TTATGTAAAAGTGATAAATATTGTGAGCCACATGACTATGAATACTGCTGTCCTTGTGAG[T>TGGCA]GGCACCGTACAGAACATGATAGGCAACTCAGTGAAGTAGAGAACAATATTAAGAAGTAAG-3'

ClinVar aggregate classification (germline): Uncertain significance (1 of 4 stars; one submission).

Submission:

Labcorp Genetics (formerly Invitae), Labcorp
Classification: Uncertain significance. Last evaluated: 2024-09-12. Review status: criteria provided, single submitter. Criteria: Invitae Variant Classification Sherloc (09022015). Collection method: clinical testing. Allele origin: germline.
Comment: This sequence change creates a premature translational stop signal (p.His301Glnfs*7) in the GEN1 gene. It is expected to result in an absent or disrupted protein product. However, the current clinical and genetic evidence is not sufficient to establish whether loss-of-function variants in GEN1 cause disease. This variant is present in population databases (no rsID available, gnomAD 0.1%). This variant has not been reported in the literature in individuals affected with GEN1-related conditions. In summary, the available evidence is currently insufficient to determine the role of this variant in disease. Therefore, it has been classified as a Variant of Uncertain Significance.